The following is an entry in ClinVar:

ClinVar aggregate classification (germline): Uncertain significance. Review status: criteria provided, multiple submitters, no conflicts (2 of 4 stars). 2 submissions from 2 submitters: Uncertain significance (2). Last evaluated 2025-11-16.

Conditions:
SLC52A2-related disorder. Also called: SLC52A2-related condition.
Brown-Vialetto-van Laere syndrome 2. Also called: Riboflavin transporter deficiency type 2; SPINOCEREBELLAR ATAXIA WITH BLINDNESS AND DEAFNESS 2. Identifiers: Orphanet 572543, Orphanet 97229, MedGen C3553538, MONDO:0013867, OMIM 614707.

Allele frequency attached by ClinVar (database versions not stated): TOPMed below 0.00001; gnomAD 0.00001; gnomAD exomes 0.00001.

Submissions (2):

PreventionGenetics, part of Exact Sciences
Classification: Uncertain significance for SLC52A2-related condition. Last evaluated: 2025-11-16. Review status: criteria provided, single submitter. Criteria: ACMG Guidelines, 2015. Collection method: clinical testing. Allele origin: germline.
Comment: The SLC52A2 c.607C>T variant is predicted to result in the amino acid substitution p.Leu203Phe. To our knowledge, this variant has not been reported in the literature or in a large population database (gnomAD), indicating this variant is rare. At this time, the clinical significance of this variant is uncertain due to the absence of conclusive functional and genetic evidence.

Labcorp Genetics (formerly Invitae), Labcorp
Classification: Uncertain significance for Brown-Vialetto-van Laere syndrome 2. Last evaluated: 2021-07-04. Review status: criteria provided, single submitter. Criteria: Invitae Variant Classification Sherloc (09022015). Collection method: clinical testing. Allele origin: germline.
Comment: This sequence change replaces leucine with phenylalanine at codon 203 of the SLC52A2 protein (p.Leu203Phe). The leucine residue is moderately conserved and there is a small physicochemical difference between leucine and phenylalanine. This variant is not present in population databases (ExAC no frequency). This variant has not been reported in the literature in individuals affected with SLC52A2-related conditions. Algorithms developed to predict the effect of missense changes on protein structure and function are either unavailable or do not agree on the potential impact of this missense change (SIFT: "Tolerated"; PolyPhen-2: "Probably Damaging"; Align-GVGD: "Class C0"). In summary, the available evidence is currently insufficient to determine the role of this variant in disease. Therefore, it has been classified as a Variant of Uncertain Significance.

NM_001363118.2(SLC52A2):c.607C>T (p.Leu203Phe)

Gene: SLC52A2 (solute carrier family 52 member 2; plus strand). Cytogenetic location: 8q24.3.
Variant type: single nucleotide variant.
Coding change: c.607C>T on transcript NM_001363118.2 (MANE Select); coding-DNA position 607, C replaced by T.
Protein change: p.Leu203Phe; replaces leucine 203 with phenylalanine.
Molecular consequence: missense variant. On other transcripts: non-coding transcript variant (1), intron variant (1).
Genome position (GRCh38, 1-based): chr8:144,360,099, C>T. VCF-style: chr8-144360099-C-T. GRCh37 (hg19) VCF-style: chr8-145583759-C-T.
Other names: c.607C>T (NM_001253816.1); c.607C>T, p.Leu203Phe (NM_001253815.2, NM_001253816.2, NM_001363120.2 and 2 more transcripts); c.131-16C>T (NM_001363122.2); short protein forms L203F.
Identifiers: ClinVar variation 1514205 (VCV001514205.9), dbSNP rs1818752337, ClinGen allele CA372627499.
Genomic context (GRCh38, chr8:144,360,099, plus strand): 5'-CCCCCGCTCGACTTCCTTGAGCGTTTTCCCGCCAGCACCTTCTTCTGGGCACTGACTGCC[C>T]TTCTGGTCGCTTCAGCTGCTGCCTTCCAGGGTCTTCTGCTGCTGTTGCCGCCACCACCAT-3'
Protein context (NP_001350047.1, residues 193-213): ASTFFWALTA[Leu203Phe]LVASAAAFQG